The following is an entry in ClinVar:

ClinVar aggregate classification (germline): Uncertain significance (1 of 4 stars; one submission).

Submission:

Greenwood Genetic Center Diagnostic Laboratories, Greenwood Genetic Center
Classification: Uncertain significance. Last evaluated: 2021-07-06. Review status: criteria provided, single submitter. Criteria: ACMG Guidelines, 2015. Collection method: clinical testing. Allele origin: germline. Affected: yes.
Comment: PP2, PP3, PM2

NM_016284.5(CNOT1):c.1300C>G (p.Leu434Val)

Gene: CNOT1 (CCR4-NOT transcription complex subunit 1; minus strand). Cytogenetic location: 16q21.
Variant type: single nucleotide variant.
Coding change: c.1300C>G on transcript NM_016284.5 (MANE Select); coding-DNA position 1300, C replaced by G.
Protein change: p.Leu434Val; replaces leucine 434 with valine.
Molecular consequence: missense variant. On other transcripts: non-coding transcript variant (1).
Genome position (GRCh38, 1-based): chr16:58,580,676, G>C on the plus strand (C>G on the coding strand, the complement: CNOT1 is on the minus strand). VCF-style: chr16-58580676-G-C. GRCh37 (hg19) VCF-style: chr16-58614580-G-C.
Other names: c.1300C>G, p.Leu434Val (NM_001265612.2, NM_206999.3); short protein forms L434V.
Identifiers: ClinVar variation 1334484 (VCV001334484.4), dbSNP rs753327776, ClinGen allele CA396146142.
Genomic context (GRCh38, chr16:58,580,676, plus strand): 5'-TGAATCAAAGTGTTTACCATGTGGCAATTTCTCGATTGTCATCCTCTGGTGGTGCTTTCA[G>C]AATATCAGTGGCAACAGTATGACAGGGATAGTCAGCAAAACAGAAGATCTCTGGATTTAT-3'
Protein context (NP_057368.3, residues 424-444): YPCHTVATDI[Leu434Val]KAPPEDDNRE